The following is an entry in ClinVar:

NM_004370.6(COL12A1):c.1524C>A (p.Asn508Lys)

Gene: COL12A1 (collagen type XII alpha 1 chain; minus strand). Cytogenetic location: 6q13.
Variant type: single nucleotide variant.
Coding change: c.1524C>A on transcript NM_004370.6 (MANE Select); coding-DNA position 1524, C replaced by A.
Protein change: p.Asn508Lys; replaces asparagine 508 with lysine.
Molecular consequence: missense variant. On other transcripts: intron variant (1).
Genome position (GRCh38, 1-based): chr6:75,183,417, G>T on the plus strand (C>A on the coding strand, the complement: COL12A1 is on the minus strand). VCF-style: chr6-75183417-G-T. GRCh37 (hg19) VCF-style: chr6-75893133-G-T.
Other names: c.73+19303C>A (NM_080645.3); short protein forms N508K.
Identifiers: ClinVar variation 1462707 (VCV001462707.6), dbSNP rs2149466133, ClinGen allele CA364769795.

ClinVar aggregate classification (germline): Uncertain significance (1 of 4 stars; one submission).

Conditions:
Ullrich congenital muscular dystrophy 2 (UCMD2). Identifiers: Orphanet 75840, MedGen C4225314, MONDO:0014654, OMIM 616470.
Bethlem myopathy 2 (BTHLM2). Identifiers: Orphanet 536516, Orphanet 610, MedGen C4225313, MONDO:0034022, OMIM 616471.

Submission:

Labcorp Genetics (formerly Invitae), Labcorp
Classification: Uncertain significance for Bethlem myopathy 2; Ullrich congenital muscular dystrophy 2. Last evaluated: 2021-11-30. Review status: criteria provided, single submitter. Criteria: Invitae Variant Classification Sherloc (09022015). Collection method: clinical testing. Allele origin: germline.
Comment: This sequence change replaces asparagine, which is neutral and polar, with lysine, which is basic and polar, at codon 508 of the COL12A1 protein (p.Asn508Lys). This variant is not present in population databases (gnomAD no frequency). This variant has not been reported in the literature in individuals affected with COL12A1-related conditions. Algorithms developed to predict the effect of missense changes on protein structure and function are either unavailable or do not agree on the potential impact of this missense change (SIFT: "Deleterious"; PolyPhen-2: "Probably Damaging"; Align-GVGD: "Class C0"). In summary, the available evidence is currently insufficient to determine the role of this variant in disease. Therefore, it has been classified as a Variant of Uncertain Significance.